The following is an entry in ClinVar:

ClinVar aggregate classification (germline): Uncertain significance. Review status: criteria provided, multiple submitters, no conflicts (2 of 4 stars). 2 submissions from 2 submitters: Uncertain significance (2). Last evaluated 2025-07-02.

Conditions:
Rhabdoid tumor predisposition syndrome 2 (RTPS2). Identifiers: Orphanet 231108, Orphanet 69077, MedGen C2750074, MONDO:0013224, OMIM 613325.
Hereditary cancer-predisposing syndrome. Also called: Tumor predisposition; Hereditary neoplastic syndrome; Hereditary Cancer Syndrome; Neoplastic Syndromes, Hereditary. Identifiers: Orphanet 140162, MedGen C0027672, MeSH D009386, MONDO:0015356.

gnomAD v4.1: 2 of 1,613,862 alleles (0.00012%); highest among the groups gnomAD compares: Non-Finnish European, 0.00017%; no homozygotes.

Submissions (2):

Labcorp Genetics (formerly Invitae), Labcorp
Classification: Uncertain significance for Rhabdoid tumor predisposition syndrome 2. Last evaluated: 2025-07-02. Review status: criteria provided, single submitter. Criteria: Invitae Variant Classification Sherloc (09022015). Collection method: clinical testing. Allele origin: germline.
Comment: This sequence change replaces glycine, which is neutral and non-polar, with serine, which is neutral and polar, at codon 1068 of the SMARCA4 protein (p.Gly1068Ser). This variant is present in population databases (rs765857427, gnomAD 0.0009%). This variant has not been reported in the literature in individuals affected with SMARCA4-related conditions. Invitae Evidence Modeling of protein sequence and biophysical properties (such as structural, functional, and spatial information, amino acid conservation, physicochemical variation, residue mobility, and thermodynamic stability) has been performed for this missense variant. However, the output from this modeling did not meet the statistical confidence thresholds required to predict the impact of this variant on SMARCA4 protein function. In summary, the available evidence is currently insufficient to determine the role of this variant in disease. Therefore, it has been classified as a Variant of Uncertain Significance.

Ambry Genetics
Classification: Uncertain significance for Hereditary cancer-predisposing syndrome. Last evaluated: 2025-05-22. Review status: criteria provided, single submitter. Criteria: Ambry Variant Classification Scheme 2023. Collection method: clinical testing. Allele origin: germline.
Comment: The p.G1068S variant (also known as c.3202G>A), located in coding exon 22 of the SMARCA4 gene, results from a G to A substitution at nucleotide position 3202. The glycine at codon 1068 is replaced by serine, an amino acid with similar properties. This amino acid position is highly conserved in available vertebrate species. In addition, the in silico prediction for this alteration is inconclusive. Based on the available evidence, the clinical significance of this variant remains unclear.

NM_003072.5(SMARCA4):c.3202G>A (p.Gly1068Ser)

Gene: SMARCA4 (SWI/SNF related BAF chromatin remodeling complex subunit ATPase 4; plus strand). Cytogenetic location: 19p13.2.
Variant type: single nucleotide variant.
Coding change: c.3202G>A on transcript NM_003072.5 (MANE Select); coding-DNA position 3202, G replaced by A.
Protein change: p.Gly1068Ser; replaces glycine 1068 with serine.
Molecular consequence: missense variant. On other transcripts: non-coding transcript variant (1).
Genome position (GRCh38, 1-based): chr19:11,026,333, G>A. VCF-style: chr19-11026333-G-A. GRCh37 (hg19) VCF-style: chr19-11137009-G-A.
Other names: c.3202G>A, p.Gly1068Ser (NM_001128844.3, NM_001128845.2, NM_001128846.2 and 6 more transcripts); short protein forms G1068S.
Identifiers: ClinVar variation 3958416 (VCV003958416.2).